The following is an entry in ClinVar:

NM_001201543.2(FAM161A):c.2064T>C (p.Ile688=)

Gene: FAM161A (FAM161 centrosomal protein A; minus strand). Cytogenetic location: 2p15.
Variant type: single nucleotide variant.
Coding change: c.2064T>C on transcript NM_001201543.2 (MANE Select); coding-DNA position 2064, T replaced by C.
Protein change: p.Ile688=; no amino-acid change (isoleucine 688 retained).
Molecular consequence: synonymous variant. On other transcripts: non-coding transcript variant (1).
Genome position (GRCh38, 1-based): chr2:61,826,542, A>G on the plus strand (T>C on the coding strand, the complement: FAM161A is on the minus strand). VCF-style: chr2-61826542-A-G. GRCh37 (hg19) VCF-style: chr2-62053677-A-G.
Other names: c.1896T>C, p.Ile632= (NM_032180.3).
Identifiers: ClinVar variation 336733 (VCV000336733.49), dbSNP rs138464813, ClinGen allele CA1678948.

ClinVar aggregate classification (germline): Conflicting classifications of pathogenicity. Review status: criteria provided, conflicting classifications (1 of 4 stars). 8 submissions from 8 submitters: Uncertain significance (2); Benign (1); Likely benign (3). 2 of the submissions do not count toward it. Last evaluated 2026-02-03.

Conditions:
Retinitis pigmentosa (RP). Identifiers: Orphanet 791, MedGen C0035334, MeSH D012174, MONDO:0019200, OMIM 268000. Inheritance: Autosomal dominant, autosomal recessive and X linked inheritance.
Retinitis pigmentosa 28 (RP28). Identifiers: Orphanet 791, MedGen C1419614, MONDO:0011630, OMIM 606068.

Allele frequency attached by ClinVar (database versions not stated): 1000 Genomes Project 30x 0.00094; 1000 Genomes Project 0.00120; gnomAD 0.00145 and 0.00148; TOPMed 0.00157; gnomAD exomes 0.00172 and 0.00262; ExAC 0.00225; ESP Exome Variant Server 0.00305.
gnomAD v4.1: 3,993 of 1,602,386 alleles (0.25%); highest among the groups gnomAD compares: Non-Finnish European, 0.31%; 8 homozygotes.

Submissions (8):

Labcorp Genetics (formerly Invitae), Labcorp
Classification: Benign. Last evaluated: 2026-02-03. Review status: criteria provided, single submitter. Criteria: Invitae Variant Classification Sherloc (09022015). Collection method: clinical testing. Allele origin: germline.

Blueprint Genetics
Classification: Likely benign. Last evaluated: 2024-11-22. Review status: criteria provided, single submitter. Criteria: ACMG Guidelines, 2015. Collection method: clinical testing. Allele origin: germline.

CeGaT Center for Human Genetics Tuebingen
Classification: Likely benign. Last evaluated: 2022-12-01. Review status: criteria provided, single submitter. Criteria: CeGaT Center For Human Genetics Tuebingen Variant Classification Criteria Version 2. Collection method: clinical testing. Allele origin: germline. Affected: yes. Observed: 2 variant alleles.
Comment: FAM161A: BP4, BP7

Eurofins Ntd Llc (ga)
Classification: Uncertain significance. Last evaluated: 2018-08-09. Review status: criteria provided, single submitter. Criteria: EGL ClinVar v180209 classification definitions. Collection method: clinical testing. Allele origin: germline. Observed: 1 variant allele, 1 heterozygote.

Illumina Laboratory Services, Illumina
Classification: Uncertain significance for Retinitis pigmentosa. Last evaluated: 2018-01-12. Review status: criteria provided, single submitter. Criteria: ICSL Variant Classification Criteria 13 December 2019. Collection method: clinical testing. Allele origin: germline.

Clinical Genetics DNA and cytogenetics Diagnostics Lab, Erasmus MC, Erasmus Medical Center
Classification: Likely benign for Retinitis pigmentosa 28. Last evaluated: 2017-06-28. Review status: criteria provided, single submitter. Criteria: ACGS Guidelines, 2013. Collection method: clinical testing. Allele origin: germline. Affected: yes. Study: VKGL Data-share Consensus.

Natera, Inc.
Classification: Uncertain significance for Retinitis pigmentosa type 28. Last evaluated: 2020-04-03. Review status: no assertion criteria provided. Collection method: clinical testing. Allele origin: germline. Not counted in ClinVar's aggregate classification.

Clinical Genetics, Academic Medical Center
Classification: Benign. Review status: no assertion criteria provided. Collection method: clinical testing. Allele origin: germline. Affected: yes. Study: VKGL Data-share Consensus. Not counted in ClinVar's aggregate classification.